The following is an entry in ClinVar:

NM_130384.3(ATRIP):c.854G>A (p.Gly285Asp)

Genes: ATRIP (ATR interacting protein; plus strand), ATRIP-TREX1 (ATRIP-TREX1 readthrough; plus strand). Cytogenetic location: 3p21.31.
Variant type: single nucleotide variant.
Coding change: c.854G>A on transcript NM_130384.3 (MANE Select); coding-DNA position 854, G replaced by A.
Protein change: p.Gly285Asp; replaces glycine 285 with aspartic acid.
Molecular consequence: missense variant. On other transcripts: non-coding transcript variant (1).
Genome position (GRCh38, 1-based): chr3:48,459,383, G>A. VCF-style: chr3-48459383-G-A. GRCh37 (hg19) VCF-style: chr3-48500782-G-A.
Other names: c.473G>A, p.Gly158Asp (NM_001271022.2); c.575G>A, p.Gly192Asp (NM_001271023.2); c.854G>A, p.Gly285Asp (NM_032166.4); short protein forms G158D, G285D, G192D.
Identifiers: ClinVar variation 4826275 (VCV004826275.1).

ClinVar aggregate classification (germline): Uncertain significance (1 of 4 stars; one submission).

Submission:

Ambry Genetics
Classification: Uncertain significance. Last evaluated: 2026-03-03. Review status: criteria provided, single submitter. Criteria: Ambry Variant Classification Scheme 2023. Collection method: clinical testing. Allele origin: germline.
Comment: The p.G285D variant (also known as c.854G>A), located in coding exon 6 of the ATRIP gene, results from a G to A substitution at nucleotide position 854. The glycine at codon 285 is replaced by aspartic acid, an amino acid with similar properties. This amino acid position is conserved. In addition, this alteration is predicted to be tolerated by in silico analysis. Based on the available evidence, the clinical significance of this variant remains unclear.